The following is an entry in ClinVar:

NM_003072.5(SMARCA4):c.4286G>A (p.Arg1429His)

Gene: SMARCA4 (SWI/SNF related BAF chromatin remodeling complex subunit ATPase 4; plus strand). Cytogenetic location: 19p13.2.
Variant type: single nucleotide variant.
Coding change: c.4286G>A on transcript NM_003072.5 (MANE Select); coding-DNA position 4286, G replaced by A.
Protein change: p.Arg1429His; replaces arginine 1429 with histidine.
Molecular consequence: missense variant. On other transcripts: non-coding transcript variant (1).
Genome position (GRCh38, 1-based): chr19:11,041,422, G>A. VCF-style: chr19-11041422-G-A. GRCh37 (hg19) VCF-style: chr19-11152098-G-A.
Other names: c.4286G>A, p.Arg1429His (NM_001128844.3); c.4196G>A, p.Arg1399His (NM_001128845.2, NM_001128846.2); c.4187G>A, p.Arg1396His (NM_001128847.4, NM_001128848.2, NM_001374457.1); c.4382G>A, p.Arg1461His (NM_001128849.3); short protein forms R1399H, R1396H, R1429H, R1461H.
Identifiers: ClinVar variation 824846 (VCV000824846.15), dbSNP rs1290442223, ClinGen allele CA404073593.
Genomic context (GRCh38, chr19:11,041,422, plus strand): 5'-CATCACGGAAGCGCAAGCGAGACAGCGACGCCGGCTCCTCCACCCCGACCACCAGCACCC[G>A]CAGCCGCGACAAGGACGACGAGAGCAAGAAGCAGAAGAAGCGCGGGCGGCCGCCTGCCGA-3'
Protein context (NP_003063.2, residues 1419-1439): AGSSTPTTST[Arg1429His]SRDKDDESKK

ClinVar aggregate classification (germline): Conflicting classifications of pathogenicity. Review status: criteria provided, conflicting classifications (1 of 4 stars). 5 submissions from 5 submitters: Uncertain significance (4); Likely benign (1). Last evaluated 2026-01-02.

Conditions:
Rhabdoid tumor predisposition syndrome 2 (RTPS2). Identifiers: Orphanet 231108, Orphanet 69077, MedGen C2750074, MONDO:0013224, OMIM 613325.
Intellectual disability, autosomal dominant 16 (CSS4). Also called: COFFIN-SIRIS SYNDROME 4. Identifiers: Orphanet 1465, MedGen C3553249, MONDO:0013821, OMIM 614609.
Hereditary cancer-predisposing syndrome. Also called: Neoplastic Syndromes, Hereditary; Tumor predisposition; Hereditary Cancer Syndrome; Hereditary neoplastic syndrome. Identifiers: Orphanet 140162, MedGen C0027672, MeSH D009386, MONDO:0015356.

Allele frequency attached by ClinVar (database versions not stated): gnomAD 0.00001; TOPMed 0.00001.
gnomAD v4.1: 8 of 1,611,912 alleles (0.0005%); highest among the groups gnomAD compares: South Asian, 0.0022%; no homozygotes.

Submissions (5):

Labcorp Genetics (formerly Invitae), Labcorp
Classification: Uncertain significance for Rhabdoid tumor predisposition syndrome 2. Last evaluated: 2026-01-02. Review status: criteria provided, single submitter. Criteria: Invitae Variant Classification Sherloc (09022015). Collection method: clinical testing. Allele origin: germline.
Comment: This sequence change replaces arginine, which is basic and polar, with histidine, which is basic and polar, at codon 1461 of the SMARCA4 protein (p.Arg1461His). This variant is not present in population databases (gnomAD no frequency). This variant has not been reported in the literature in individuals affected with SMARCA4-related conditions. ClinVar contains an entry for this variant (Variation ID: 824846). An algorithm developed to predict the effect of missense changes on protein structure and function (PolyPhen-2) suggests that this variant is likely to be disruptive. In summary, the available evidence is currently insufficient to determine the role of this variant in disease. Therefore, it has been classified as a Variant of Uncertain Significance.

GeneDx
Classification: Uncertain significance. Last evaluated: 2023-10-31. Review status: criteria provided, single submitter. Criteria: GeneDx Variant Classification Process June 2021. Collection method: clinical testing. Allele origin: germline.
Comment: Not observed at significant frequency in large population cohorts (gnomAD); In silico analysis supports that this missense variant does not alter protein structure/function; Has not been previously published as pathogenic or benign to our knowledge; This variant is associated with the following publications: (PMID: 32686686)

Blueprint Genetics
Classification: Uncertain significance. Last evaluated: 2022-03-04. Review status: criteria provided, single submitter. Criteria: ACMG Guidelines, 2015. Collection method: clinical testing. Allele origin: germline.

Ambry Genetics
Classification: Likely benign for Hereditary cancer-predisposing syndrome. Last evaluated: 2021-12-07. Review status: criteria provided, single submitter. Criteria: Ambry Variant Classification Scheme 2023. Collection method: clinical testing. Allele origin: germline.

Genome-Nilou Lab
Classification: Uncertain significance for Intellectual disability, autosomal dominant 16. Last evaluated: 2021-07-15. Review status: criteria provided, single submitter. Criteria: ACMG Guidelines, 2015. Collection method: clinical testing. Allele origin: germline. Affected: no.